The following is an entry in ClinVar:

NM_005219.5(DIAPH1):c.619G>A (p.Gly207Arg)

Gene: DIAPH1 (diaphanous related formin 1; minus strand). Cytogenetic location: 5q31.3.
Variant type: single nucleotide variant.
Coding change: c.619G>A on transcript NM_005219.5 (MANE Select); coding-DNA position 619, G replaced by A.
Protein change: p.Gly207Arg; replaces glycine 207 with arginine.
Molecular consequence: missense variant.
Genome position (GRCh38, 1-based): chr5:141,583,207, C>T on the plus strand (G>A on the coding strand, the complement: DIAPH1 is on the minus strand). VCF-style: chr5-141583207-C-T. GRCh37 (hg19) VCF-style: chr5-140962774-C-T.
Other names: c.592G>A, p.Gly198Arg (NM_001079812.3); c.619G>A, p.Gly207Arg (NM_001314007.2); short protein forms G198R, G207R.
Identifiers: ClinVar variation 4788276 (VCV004788276.1).

ClinVar aggregate classification (germline): Uncertain significance (1 of 4 stars; one submission).

Conditions:
Autosomal dominant nonsyndromic hearing loss 1. Also called: KONIGSMARK SYNDROME; DEAFNESS, AUTOSOMAL DOMINANT 1, WITH OR WITHOUT THROMBOCYTOPENIA. Identifiers: Orphanet 90635, MedGen C1852282, MONDO:0007424, OMIM 124900.
Progressive microcephaly-seizures-cortical blindness-developmental delay syndrome. Also called: Seizures, cortical blindness, and microcephaly syndrome. Identifiers: Orphanet 477814, MedGen C5567650, MONDO:0014714, OMIM 616632.

gnomAD v4.1: 1 of 1,613,978 alleles (0.000062%); no homozygotes.

Submission:

Labcorp Genetics (formerly Invitae), Labcorp
Classification: Uncertain significance for Progressive microcephaly-seizures-cortical blindness-developmental delay syndrome; Autosomal dominant nonsyndromic hearing loss 1. Last evaluated: 2025-04-21. Review status: criteria provided, single submitter. Criteria: Invitae Variant Classification Sherloc (09022015). Collection method: clinical testing. Allele origin: germline.
Comment: This sequence change replaces glycine, which is neutral and non-polar, with arginine, which is basic and polar, at codon 207 of the DIAPH1 protein (p.Gly207Arg). This variant is not present in population databases (gnomAD no frequency). This variant has not been reported in the literature in individuals affected with DIAPH1-related conditions. Experimental studies and prediction algorithms are not available or were not evaluated, and the functional significance of this variant is currently unknown. In summary, the available evidence is currently insufficient to determine the role of this variant in disease. Therefore, it has been classified as a Variant of Uncertain Significance.